The following is an entry in ClinVar:

ClinVar aggregate classification (germline): Uncertain significance (1 of 4 stars; one submission).

Submission:

GeneDx
Classification: Uncertain significance. Last evaluated: 2024-08-26. Review status: criteria provided, single submitter. Criteria: GeneDx Variant Classification Process June 2021. Collection method: clinical testing. Allele origin: germline. Affected: yes.
Comment: Not observed at significant frequency in large population cohorts (gnomAD); In silico analysis supports that this missense variant has a deleterious effect on protein structure/function; Has not been previously published as pathogenic or benign to our knowledge

NM_020988.3(GNAO1):c.865C>G (p.Pro289Ala)

Gene: GNAO1 (G protein subunit alpha o1; plus strand). Cytogenetic location: 16q13.
Variant type: single nucleotide variant.
Coding change: c.865C>G on transcript NM_020988.3 (MANE Select); coding-DNA position 865, C replaced by G.
Protein change: p.Pro289Ala; replaces proline 289 with alanine.
Molecular consequence: missense variant.
Genome position (GRCh38, 1-based): chr16:56,351,525, C>G. VCF-style: chr16-56351525-C-G. GRCh37 (hg19) VCF-style: chr16-56385437-C-G.
Other names: short protein forms P289A.
Identifiers: ClinVar variation 3766374 (VCV003766374.1).